The following is an entry in ClinVar:

ClinVar aggregate classification (germline): Uncertain significance (1 of 4 stars; one submission).

Conditions:
Nephronophthisis. Also called: Juvenile Nephronophthisis. Identifiers: Orphanet 655, MedGen C0687120, MONDO:0019005, HP:0000090.
Jeune thoracic dystrophy. Also called: Jeune syndrome; Infantile thoracic dystrophy; Thoracic pelvic phalangeal dystrophy; Jeune's syndrome; Chondroectodermal dysplasia-like syndrome; Short-rib thoracic dysplasia. Identifiers: Orphanet 474, MedGen C0265275, MONDO:0018770.

gnomAD v4.1: 5 of 1,613,394 alleles (0.00031%); highest among the groups gnomAD compares: Non-Finnish European, 0.00042%; no homozygotes.

Submission:

Labcorp Genetics (formerly Invitae), Labcorp
Classification: Uncertain significance for Jeune thoracic dystrophy; Nephronophthisis. Last evaluated: 2023-10-14. Review status: criteria provided, single submitter. Criteria: Invitae Variant Classification Sherloc (09022015). Collection method: clinical testing. Allele origin: germline.
Comment: This sequence change replaces threonine, which is neutral and polar, with serine, which is neutral and polar, at codon 1248 of the TTC21B protein (p.Thr1248Ser). This variant is not present in population databases (gnomAD no frequency). This variant has not been reported in the literature in individuals affected with TTC21B-related conditions. ClinVar contains an entry for this variant (Variation ID: 1512257). Advanced modeling of protein sequence and biophysical properties (such as structural, functional, and spatial information, amino acid conservation, physicochemical variation, residue mobility, and thermodynamic stability) performed at Invitae indicates that this missense variant is not expected to disrupt TTC21B protein function. In summary, the available evidence is currently insufficient to determine the role of this variant in disease. Therefore, it has been classified as a Variant of Uncertain Significance.

NM_024753.5(TTC21B):c.3742A>T (p.Thr1248Ser)

Gene: TTC21B (tetratricopeptide repeat domain 21B; minus strand). Cytogenetic location: 2q24.3.
Variant type: single nucleotide variant.
Coding change: c.3742A>T on transcript NM_024753.5 (MANE Select); coding-DNA position 3742, A replaced by T.
Protein change: p.Thr1248Ser; replaces threonine 1248 with serine.
Molecular consequence: missense variant.
Genome position (GRCh38, 1-based): chr2:165,880,742, T>A on the plus strand (A>T on the coding strand, the complement: TTC21B is on the minus strand). VCF-style: chr2-165880742-T-A. GRCh37 (hg19) VCF-style: chr2-166737252-T-A.
Other names: short protein forms T1248S.
Identifiers: ClinVar variation 1512257 (VCV001512257.7), dbSNP rs1684808847, ClinGen allele CA349045933.